The following is an entry in ClinVar:

NM_005159.5(ACTC1):c.616+3G>A

Genes: ACTC1 (actin alpha cardiac muscle 1; minus strand), GJD2-DT (GJD2 divergent transcript; plus strand). Cytogenetic location: 15q14.
Variant type: single nucleotide variant.
Coding change: c.616+3G>A on transcript NM_005159.5 (MANE Select); 3 bases into the intron after coding-DNA position 616, G replaced by A.
Molecular consequence: intron variant.
Genome position (GRCh38, 1-based): chr15:34,792,405, C>T on the plus strand (G>A on the coding strand, the complement: ACTC1 is on the minus strand). VCF-style: chr15-34792405-C-T. GRCh37 (hg19) VCF-style: chr15-35084606-C-T.
Identifiers: ClinVar variation 1941730 (VCV001941730.5), dbSNP rs2504180775, ClinGen allele CA2580089281.

ClinVar aggregate classification (germline): Uncertain significance (1 of 4 stars; one submission).

Conditions:
Dilated cardiomyopathy 1R (CMD1R). Identifiers: Orphanet 154, Orphanet 54260, MedGen C3150681, MONDO:0013261, OMIM 613424.
Hypertrophic cardiomyopathy 11. Also called: ACTC1-Related Familial Hypertrophic Cardiomyopathy. Identifiers: MedGen C2677506, MONDO:0012799, OMIM 612098.
Atrial septal defect 5 (ASD5). Identifiers: Orphanet 1478, MedGen C2748552, MONDO:0013011, OMIM 612794.

Allele frequency attached by ClinVar (database versions not stated): gnomAD exomes below 0.00001.
gnomAD v4.1: 1 of 1,614,212 alleles (0.000062%); highest among the groups gnomAD compares: South Asian, 0.0011%; no homozygotes.

Submission:

Labcorp Genetics (formerly Invitae), Labcorp
Classification: Uncertain significance for Dilated cardiomyopathy 1R; Hypertrophic cardiomyopathy 11; Atrial septal defect 5. Last evaluated: 2022-05-25. Review status: criteria provided, single submitter. Criteria: Invitae Variant Classification Sherloc (09022015). Collection method: clinical testing. Allele origin: germline.
Comment: Variants that disrupt the consensus splice site are a relatively common cause of aberrant splicing (PMID: 17576681, 9536098). Algorithms developed to predict the effect of sequence changes on RNA splicing suggest that this variant is not likely to affect RNA splicing. In summary, the available evidence is currently insufficient to determine the role of this variant in disease. Therefore, it has been classified as a Variant of Uncertain Significance. This variant has not been reported in the literature in individuals affected with ACTC1-related conditions. This variant is not present in population databases (gnomAD no frequency). This sequence change falls in intron 4 of the ACTC1 gene. It does not directly change the encoded amino acid sequence of the ACTC1 protein. It affects a nucleotide within the consensus splice site.

Literature cited by the submitters: PubMed 17576681; PubMed 9536098.